The following is an entry in ClinVar:

ClinVar aggregate classification (germline): Uncertain significance (1 of 4 stars; one submission).

Allele frequency attached by ClinVar (database versions not stated): TOPMed below 0.00001.

Submission:

Labcorp Genetics (formerly Invitae), Labcorp
Classification: Uncertain significance. Last evaluated: 2021-11-15. Review status: criteria provided, single submitter. Criteria: Invitae Variant Classification Sherloc (09022015). Collection method: clinical testing. Allele origin: germline.
Comment: This sequence change replaces lysine, which is basic and polar, with threonine, which is neutral and polar, at codon 1085 of the SPECC1L protein (p.Lys1085Thr). This variant is not present in population databases (gnomAD no frequency). This variant has not been reported in the literature in individuals affected with SPECC1L-related conditions. Algorithms developed to predict the effect of missense changes on protein structure and function are either unavailable or do not agree on the potential impact of this missense change (SIFT: "Tolerated"; PolyPhen-2: "Possibly Damaging"; Align-GVGD: "Class C0"). In summary, the available evidence is currently insufficient to determine the role of this variant in disease. Therefore, it has been classified as a Variant of Uncertain Significance.

NM_015330.6(SPECC1L):c.3254A>C (p.Lys1085Thr)

Genes: SPECC1L (sperm antigen with calponin homology and coiled-coil domains 1 like; plus strand), SPECC1L-ADORA2A (SPECC1L-ADORA2A readthrough (NMD candidate); plus strand). Cytogenetic location: 22q11.23.
Variant type: single nucleotide variant.
Coding change: c.3254A>C on transcript NM_015330.6 (MANE Select); coding-DNA position 3254, A replaced by C.
Protein change: p.Lys1085Thr; replaces lysine 1085 with threonine.
Molecular consequence: missense variant. On other transcripts: non-coding transcript variant (1).
Genome position (GRCh38, 1-based): chr22:24,412,697, A>C. VCF-style: chr22-24412697-A-C. GRCh37 (hg19) VCF-style: chr22-24808665-A-C.
Other names: c.3254A>C, p.Lys1085Thr (NM_001145468.4); c.3137A>C, p.Lys1046Thr (NM_001254732.3); c.452A>C, p.Lys151Thr (NM_001254733.2); short protein forms K151T, K1046T, K1085T.
Identifiers: ClinVar variation 1351728 (VCV001351728.6), dbSNP rs768657935, ClinGen allele CA410955613.